The following is an entry in ClinVar:

ClinVar aggregate classification (germline): Uncertain significance (1 of 4 stars; one submission).

Conditions:
NFKB2-related disorder. Also called: NFKB2-related condition.

Submission:

PreventionGenetics, part of Exact Sciences
Classification: Uncertain significance for NFKB2-related condition. Last evaluated: 2023-10-09. Review status: criteria provided, single submitter. Criteria: ACMG Guidelines, 2015. Collection method: clinical testing. Allele origin: germline.
Comment: The NFKB2 c.34A>G variant is predicted to result in the amino acid substitution p.Ile12Val. To our knowledge, this variant has not been reported in the literature or in a large population database, indicating this variant is rare. At this time, the clinical significance of this variant is uncertain due to the absence of conclusive functional and genetic evidence.

NM_001322934.2(NFKB2):c.34A>G (p.Ile12Val)

Genes: NFKB2 (nuclear factor kappa B subunit 2; plus strand), LOC130004598 (ATAC-STARR-seq lymphoblastoid active region 3929; plus strand). Cytogenetic location: 10q24.32.
Variant type: single nucleotide variant.
Coding change: c.34A>G on transcript NM_001322934.2 (MANE Select); coding-DNA position 34, A replaced by G.
Protein change: p.Ile12Val; replaces isoleucine 12 with valine.
Molecular consequence: missense variant.
Genome position (GRCh38, 1-based): chr10:102,396,265, A>G. VCF-style: chr10-102396265-A-G. GRCh37 (hg19) VCF-style: chr10-104156022-A-G.
Other names: c.34A>G, p.Ile12Val (NM_001077493.1, NM_001077494.3, NM_001261403.3 and 3 more transcripts); short protein forms I12V.
Identifiers: ClinVar variation 2633915 (VCV002633915.1), dbSNP rs2544575068, ClinGen allele CA377895751.